The following is an entry in ClinVar:

NM_014915.3(ANKRD26):c.1343T>C (p.Ile448Thr)

Gene: ANKRD26 (ankyrin repeat domain containing 26; minus strand). Cytogenetic location: 10p12.1.
Variant type: single nucleotide variant.
Coding change: c.1343T>C on transcript NM_014915.3 (MANE Select); coding-DNA position 1343, T replaced by C.
Protein change: p.Ile448Thr; replaces isoleucine 448 with threonine.
Molecular consequence: missense variant.
Genome position (GRCh38, 1-based): chr10:27,064,008, A>G on the plus strand (T>C on the coding strand, the complement: ANKRD26 is on the minus strand). VCF-style: chr10-27064008-A-G. GRCh37 (hg19) VCF-style: chr10-27352937-A-G.
Other names: c.1343T>C, p.Ile448Thr (NM_001256053.2); short protein forms I448T.
Identifiers: ClinVar variation 3397444 (VCV003397444.2).

ClinVar aggregate classification (germline): Uncertain significance (1 of 4 stars; one submission).

Conditions:
Inborn genetic diseases. Identifiers: MedGen C0950123, MeSH D030342.

gnomAD v4.1: 14 of 1,609,652 alleles (0.00087%); highest among the groups gnomAD compares: Middle Eastern, 0.017%; no homozygotes.

Submission:

Ambry Genetics
Classification: Uncertain significance for Inborn genetic diseases. Last evaluated: 2025-03-04. Review status: criteria provided, single submitter. Criteria: Ambry Variant Classification Scheme 2023. Collection method: clinical testing. Allele origin: germline.
Comment: The p.I448T variant (also known as c.1343T>C), located in coding exon 12 of the ANKRD26 gene, results from a T to C substitution at nucleotide position 1343. The isoleucine at codon 448 is replaced by threonine, an amino acid with similar properties. This amino acid position is conserved. In addition, this alteration is predicted to be tolerated by in silico analysis. Based on the available evidence, the clinical significance of this variant remains unclear.